The following is an entry in ClinVar:

NM_012318.3(LETM1):c.2071-3T>C

Gene: LETM1 (leucine zipper and EF-hand containing transmembrane protein 1; minus strand). Cytogenetic location: 4p16.3.
Variant type: single nucleotide variant.
Coding change: c.2071-3T>C on transcript NM_012318.3 (MANE Select); 3 bases into the intron before coding-DNA position 2071, T replaced by C.
Molecular consequence: intron variant.
Genome position (GRCh38, 1-based): chr4:1,814,576, A>G on the plus strand (T>C on the coding strand, the complement: LETM1 is on the minus strand). VCF-style: chr4-1814576-A-G. GRCh37 (hg19) VCF-style: chr4-1816303-A-G.
Identifiers: ClinVar variation 1502826 (VCV001502826.6), dbSNP rs531216083, ClinGen allele CA91266053.
Genomic context (GRCh38, chr4:1,814,576, plus strand): 5'-TCTCAGCCACCTGGCTGGTGGAGATGTGAACATCTTCTTTGTCCACCAGCTCAATCACCT[A>G]CACACGTGGGAAAGGGAGAGGCTCAGGTGGCTGCGCCCTACAGCACAGTGAGGCAGAGGC-3'

ClinVar aggregate classification (germline): Uncertain significance (1 of 4 stars; one submission).

Allele frequency attached by ClinVar (database versions not stated): gnomAD exomes below 0.00001; gnomAD 0.00001; 1000 Genomes Project 30x 0.00016; 1000 Genomes Project 0.00020.
gnomAD v4.1: 1 of 1,612,756 alleles (0.000062%); highest among the groups gnomAD compares: Non-Finnish European, 0.000085%; no homozygotes.

Submission:

Labcorp Genetics (formerly Invitae), Labcorp
Classification: Uncertain significance. Last evaluated: 2020-12-26. Review status: criteria provided, single submitter. Criteria: Invitae Variant Classification Sherloc (09022015). Collection method: clinical testing. Allele origin: germline.
Comment: This sequence change falls in intron 13 of the LETM1 gene. It does not directly change the encoded amino acid sequence of the LETM1 protein. It affects a nucleotide within the consensus splice site of the intron. In summary, the available evidence is currently insufficient to determine the role of this variant in disease. Therefore, it has been classified as a Variant of Uncertain Significance. Nucleotide substitutions within the consensus splice site are a relatively common cause of aberrant splicing (PMID: 17576681, 9536098). Algorithms developed to predict the effect of sequence changes on RNA splicing suggest that this variant is not likely to affect RNA splicing, but this prediction has not been confirmed by published transcriptional studies. This variant has not been reported in the literature in individuals with LETM1-related conditions. This variant is not present in population databases (ExAC no frequency).

Literature cited by the submitters: PubMed 17576681; PubMed 9536098.